The following is an entry in ClinVar:

ClinVar aggregate classification (germline): Likely benign. Review status: criteria provided, multiple submitters, no conflicts (2 of 4 stars). 3 submissions from 3 submitters: Likely benign (3). Last evaluated 2025-07-10.

Allele frequency attached by ClinVar (database versions not stated): 1000 Genomes Project 0.00020; ESP Exome Variant Server 0.00022; 1000 Genomes Project 30x 0.00031; TOPMed 0.00042; gnomAD 0.00045 and 0.00047; gnomAD exomes 0.00056 and 0.00075; ExAC 0.00116.
gnomAD v4.1: 863 of 1,537,226 alleles (0.056%); highest among the groups gnomAD compares: Middle Eastern, 0.43%; 5 homozygotes.

Submissions (3):

Labcorp Genetics (formerly Invitae), Labcorp
Classification: Likely benign. Last evaluated: 2025-07-10. Review status: criteria provided, single submitter. Criteria: Invitae Variant Classification Sherloc (09022015). Collection method: clinical testing. Allele origin: germline.

CeGaT Center for Human Genetics Tuebingen
Classification: Likely benign. Last evaluated: 2022-03-01. Review status: criteria provided, single submitter. Criteria: CeGaT Center For Human Genetics Tuebingen Variant Classification Criteria Version 2. Collection method: clinical testing. Allele origin: germline. Affected: yes. Observed: 1 variant allele.
Comment: PIEZO2: BP4, BP7

Breakthrough Genomics
Classification: Likely benign. Review status: criteria provided, single submitter. Criteria: ACMG Guidelines, 2015. Collection method: not provided. Allele origin: germline. Inheritance: Autosomal recessive inheritance. Affected: yes.

NM_001378183.1(PIEZO2):c.2964T>C (p.Tyr988=)

Gene: PIEZO2 (piezo type mechanosensitive ion channel component 2; minus strand). Cytogenetic location: 18p11.22.
Variant type: single nucleotide variant.
Coding change: c.2964T>C on transcript NM_001378183.1 (MANE Select); coding-DNA position 2964, T replaced by C.
Protein change: p.Tyr988=; no amino-acid change (tyrosine 988 retained).
Molecular consequence: synonymous variant.
Genome position (GRCh38, 1-based): chr18:10,763,081, A>G on the plus strand (T>C on the coding strand, the complement: PIEZO2 is on the minus strand). VCF-style: chr18-10763081-A-G. GRCh37 (hg19) VCF-style: chr18-10763079-A-G.
Other names: c.2889T>C, p.Tyr963= (NM_022068.4).
Identifiers: ClinVar variation 735825 (VCV000735825.33), dbSNP rs200998919, ClinGen allele CA8892600.